The following is an entry in ClinVar:

ClinVar aggregate classification (germline): Uncertain significance (1 of 4 stars; one submission).

Allele frequency attached by ClinVar (database versions not stated): gnomAD exomes below 0.00001.

Submission:

Labcorp Genetics (formerly Invitae), Labcorp
Classification: Uncertain significance. Last evaluated: 2022-10-13. Review status: criteria provided, single submitter. Criteria: Invitae Variant Classification Sherloc (09022015). Collection method: clinical testing. Allele origin: germline.
Comment: This sequence change creates a premature translational stop signal (p.Tyr184*) in the DNASE2 gene. It is expected to result in an absent or disrupted protein product. However, the current clinical and genetic evidence is not sufficient to establish whether loss-of-function variants in DNASE2 cause disease. This variant is not present in population databases (gnomAD no frequency). This variant has not been reported in the literature in individuals affected with DNASE2-related conditions. In summary, the available evidence is currently insufficient to determine the role of this variant in disease. Therefore, it has been classified as a Variant of Uncertain Significance.

NM_001375.3(DNASE2):c.552C>G (p.Tyr184Ter)

Gene: DNASE2 (deoxyribonuclease 2, lysosomal; minus strand). Cytogenetic location: 19p13.13.
Variant type: single nucleotide variant.
Coding change: c.552C>G on transcript NM_001375.3 (MANE Select); coding-DNA position 552, C replaced by G.
Protein change: p.Tyr184Ter; replaces tyrosine 184 with a stop codon.
Molecular consequence: nonsense.
Genome position (GRCh38, 1-based): chr19:12,878,539, G>C on the plus strand (C>G on the coding strand, the complement: DNASE2 is on the minus strand). VCF-style: chr19-12878539-G-C. GRCh37 (hg19) VCF-style: chr19-12989353-G-C.
Other names: short protein forms Y184*.
Identifiers: ClinVar variation 2090432 (VCV002090432.4), dbSNP rs2512549467, ClinGen allele CA404299131.